The following is an entry in ClinVar:

NM_003334.4(UBA1):c.1419+92C>T

Gene: UBA1 (ubiquitin like modifier activating enzyme 1; plus strand). Cytogenetic location: Xp11.3.
Variant type: single nucleotide variant.
Coding change: c.1419+92C>T on transcript NM_003334.4 (MANE Select); 92 bases into the intron after coding-DNA position 1419, C replaced by T.
Molecular consequence: intron variant.
Genome position (GRCh38, 1-based): chrX:47,203,306, C>T. VCF-style: chrX-47203306-C-T. GRCh37 (hg19) VCF-style: chrX-47062705-C-T.
Other names: c.1419+92C>T (NM_153280.3).
Identifiers: ClinVar variation 679600 (VCV000679600.1), dbSNP rs191827422, ClinGen allele CA329035521.
Genomic context (GRCh38, chrX:47,203,306, plus strand): 5'-CATCTTGGCCTCTGGCCATCACCCCTGGGGCTTCCTTCGGCATCTCAATGCAACCGGTGG[C>T]GCATTCTCTTTGCCATTCTCCTTATCTTGAAGGGAAGCCCAGTGCATCCCTCGTTTCCCC-3'

ClinVar aggregate classification (germline): Likely benign (1 of 4 stars; one submission).

Allele frequency attached by ClinVar (database versions not stated): gnomAD exomes 0.00076; 1000 Genomes Project 0.00450; 1000 Genomes Project 30x 0.00499; gnomAD 0.00638 and 0.00681; TOPMed 0.00723.
gnomAD v4.1: 1,431 of 1,013,052 alleles (0.14%); highest among the groups gnomAD compares: African/African-American, 2.2%; 8 homozygotes.

Submission:

GeneDx
Classification: Likely benign. Last evaluated: 2018-06-18. Review status: criteria provided, single submitter. Criteria: GeneDx Variant Classification (06012015). Collection method: clinical testing. Allele origin: germline. Affected: yes.
Comment: This variant is considered likely benign or benign based on one or more of the following criteria: it is a conservative change, it occurs at a poorly conserved position in the protein, it is predicted to be benign by multiple in silico algorithms, and/or has population frequency not consistent with disease.